The following is an entry in ClinVar:

NM_005732.4(RAD50):c.1420A>G (p.Ile474Val)

Gene: RAD50 (RAD50 double strand break repair protein; plus strand). Cytogenetic location: 5q31.1.
Variant type: single nucleotide variant.
Coding change: c.1420A>G on transcript NM_005732.4 (MANE Select); coding-DNA position 1420, A replaced by G.
Protein change: p.Ile474Val; replaces isoleucine 474 with valine.
Molecular consequence: missense variant.
Genome position (GRCh38, 1-based): chr5:132,589,805, A>G. VCF-style: chr5-132589805-A-G. GRCh37 (hg19) VCF-style: chr5-131925497-A-G.
Other names: short protein forms I474V.
Identifiers: ClinVar variation 3429449 (VCV003429449.1).
Genomic context (GRCh38, chr5:132,589,805, plus strand): 5'-CAGAATGAGCTGAAAAATGTGAAGTATGAATTACAGCAGTTGGAAGGATCTTCAGACAGG[A>G]TTCTTGAACTGGACCAGGAGCTCATAAAAGCTGTAAGATATTGTTTGAATAATCTAATAA-3'
Protein context (NP_005723.2, residues 464-484): LQQLEGSSDR[Ile474Val]LELDQELIKA

ClinVar aggregate classification (germline): Uncertain significance (1 of 4 stars; one submission).

Conditions:
Hereditary cancer-predisposing syndrome. Also called: Neoplastic Syndromes, Hereditary; Tumor predisposition; Hereditary Cancer Syndrome; Hereditary neoplastic syndrome. Identifiers: Orphanet 140162, MedGen C0027672, MeSH D009386, MONDO:0015356.

Submission:

Ambry Genetics
Classification: Uncertain significance for Hereditary cancer-predisposing syndrome. Last evaluated: 2024-07-28. Review status: criteria provided, single submitter. Criteria: Ambry Variant Classification Scheme 2023. Collection method: clinical testing. Allele origin: germline.
Comment: The p.I474V variant (also known as c.1420A>G), located in coding exon 9 of the RAD50 gene, results from an A to G substitution at nucleotide position 1420. The isoleucine at codon 474 is replaced by valine, an amino acid with highly similar properties. This amino acid position is conserved. In addition, this alteration is predicted to be tolerated by in silico analysis. Based on the available evidence, the clinical significance of this variant remains unclear.